The following is an entry in ClinVar:

ClinVar aggregate classification (germline): Likely pathogenic (1 of 4 stars; one submission).

Submission:

GeneDx
Classification: Likely pathogenic. Last evaluated: 2025-05-28. Review status: criteria provided, single submitter. Criteria: GeneDx Variant Classification Process June 2021. Collection method: clinical testing. Allele origin: germline. Affected: yes.
Comment: Identified in a patient with a reported diagnosis of Alport syndrome in published literature (PMID: 33095447); Frameshift variant predicted to result in protein truncation or nonsense mediated decay in a gene for which loss of function is a known mechanism of disease; Not observed at significant frequency in large population cohorts (gnomAD); This variant is associated with the following publications: (PMID: 33095447)

NM_000091.5(COL4A3):c.417del (p.Thr140fs)

Genes: COL4A3 (collagen type IV alpha 3 chain; plus strand), MFF-DT (MFF divergent transcript; minus strand). Cytogenetic location: 2q36.3.
Variant type: Deletion.
Coding change: c.417del on transcript NM_000091.5 (MANE Select); coding-DNA position 417, one base deleted (G; older notation c.417delG).
Protein change: p.Thr140fs; shifts the reading frame from threonine 140.
Molecular consequence: frameshift variant.
Genome position (GRCh38, 1-based): chr2:227,246,714, G deleted; the last of 3 consecutive G bases (chr2:227,246,712-227,246,714); deleting any one gives the same sequence. VCF-style (leftmost placement, unchanged base first): chr2-227246711-AG-A. GRCh37 (hg19) VCF-style: chr2-228111427-AG-A.
Other names: short protein forms T140fs.
Identifiers: ClinVar variation 4532346 (VCV004532346.1).